The following is an entry in ClinVar:

NM_005732.4(RAD50):c.3795_3815dup (p.Glu1271_Asp1272insGluValIleThrHisAspGlu)

Genes: RAD50 (RAD50 double strand break repair protein; plus strand), TH2LCRR (T helper type 2 locus control region associated RNA; minus strand). Cytogenetic location: 5q31.1.
Variant type: Duplication.
Coding change: c.3795_3815dup on transcript NM_005732.4 (MANE Select); coding-DNA positions 3795 to 3815, 21 bases duplicated (GGTAATCACTCATGATGAAGA).
Protein change: p.Glu1271_Asp1272insGluValIleThrHisAspGlu.
Molecular consequence: inframe insertion. On other transcripts: non-coding transcript variant (1).
Genome position (GRCh38, 1-based): chr5:132,642,220-132,642,240, GGTAATCACTCATGATGAAGA duplicated. VCF-style (leftmost placement, unchanged base first): chr5-132642219-T-TGGTAATCACTCATGATGAAGA. GRCh37 (hg19) VCF-style: chr5-131977911-T-TGGTAATCACTCATGATGAAGA.
Identifiers: ClinVar variation 1514477 (VCV001514477.8), dbSNP rs2149866895, ClinGen allele CA2573139104.
Genomic context (GRCh38, chr5:132,642,219, plus strand): 5'-TCTGAATATATTGTTGCAGGATAATAAAAAGTCGCTCACAGCAGCGTAACTTCCAGCTTC[T>TGGTAATCACTCATGATGAAGA]GGTAATCACTCATGATGAAGATTTTGTGGAGCTTTTAGGACGTTCTGAATATGTGGAGAA-3'

ClinVar aggregate classification (germline): Uncertain significance (1 of 4 stars; one submission).

Conditions:
Hereditary cancer-predisposing syndrome. Also called: Tumor predisposition; Neoplastic Syndromes, Hereditary; Hereditary neoplastic syndrome; Hereditary Cancer Syndrome. Identifiers: Orphanet 140162, MedGen C0027672, MeSH D009386, MONDO:0015356.

Submission:

Labcorp Genetics (formerly Invitae), Labcorp
Classification: Uncertain significance for Hereditary cancer-predisposing syndrome. Last evaluated: 2021-03-06. Review status: criteria provided, single submitter. Criteria: Invitae Variant Classification Sherloc (09022015). Collection method: clinical testing. Allele origin: germline.
Comment: This variant, c.3795_3815dup, results in the insertion of 7 amino acid(s) to the RAD50 protein (p.Glu1271_Asp1272insGluValIleThrHisAspGlu), but otherwise preserves the integrity of the reading frame. This variant is not present in population databases (ExAC no frequency). This variant has not been reported in the literature in individuals with RAD50-related conditions. Experimental studies and prediction algorithms are not available or were not evaluated, and the functional significance of this variant is currently unknown. Algorithms developed to predict the effect of sequence changes on RNA splicing suggest that this variant may create or strengthen a splice site, but this prediction has not been confirmed by published transcriptional studies. In summary, the available evidence is currently insufficient to determine the role of this variant in disease. Therefore, it has been classified as a Variant of Uncertain Significance.